The following is an entry in ClinVar:

NM_004667.6(HERC2):c.10626T>G (p.Ile3542Met)

Gene: HERC2 (HECT and RLD domain containing E3 ubiquitin protein ligase 2; minus strand). Cytogenetic location: 15q13.1.
Variant type: single nucleotide variant.
Coding change: c.10626T>G on transcript NM_004667.6 (MANE Select); coding-DNA position 10626, T replaced by G.
Protein change: p.Ile3542Met; replaces isoleucine 3542 with methionine.
Molecular consequence: missense variant.
Genome position (GRCh38, 1-based): chr15:28,163,214, A>C on the plus strand (T>G on the coding strand, the complement: HERC2 is on the minus strand). VCF-style: chr15-28163214-A-C. GRCh37 (hg19) VCF-style: chr15-28408360-A-C.
Other names: short protein forms I3542M.
Identifiers: ClinVar variation 4976062 (VCV004976062.1).

ClinVar aggregate classification (germline): Uncertain significance (1 of 4 stars; one submission).

gnomAD v4.1: 6 of 1,613,950 alleles (0.00037%); highest among the groups gnomAD compares: South Asian, 0.0011%; no homozygotes.

Submission:

GeneDx
Classification: Uncertain significance. Last evaluated: 2026-02-04. Review status: criteria provided, single submitter. Criteria: GeneDx Variant Classification Process June 2021. Collection method: clinical testing. Allele origin: germline.
Comment: Not observed at significant frequency in large population cohorts (gnomAD); In silico analysis suggests that this missense variant does not alter protein structure/function; Has not been previously published as pathogenic or benign to our knowledge